The following is an entry in ClinVar:

NM_000548.5(TSC2):c.1167C>T (p.Thr389=)

Gene: TSC2 (TSC complex subunit 2; plus strand). Cytogenetic location: 16p13.3.
Variant type: single nucleotide variant.
Coding change: c.1167C>T on transcript NM_000548.5 (MANE Select); coding-DNA position 1167, C replaced by T.
Protein change: p.Thr389=; no amino-acid change (threonine 389 retained).
Molecular consequence: synonymous variant.
Genome position (GRCh38, 1-based): chr16:2,061,918, C>T. VCF-style: chr16-2061918-C-T. GRCh37 (hg19) VCF-style: chr16-2111919-C-T.
Other names: c.1167C>T, p.Thr389= (NM_001077183.3, NM_001114382.3, NM_001363528.2 and 3 more transcripts); c.1056C>T, p.Thr352= (NM_001318827.2); c.1020C>T, p.Thr340= (NM_001318829.2); c.567C>T, p.Thr189= (NM_001318831.2); c.1200C>T, p.Thr400= (NM_001318832.2).
Identifiers: ClinVar variation 413643 (VCV000413643.15), dbSNP rs745774782, ClinGen allele CA028679.

ClinVar aggregate classification (germline): Benign/Likely benign. Review status: criteria provided, multiple submitters, no conflicts (2 of 4 stars). 3 submissions from 3 submitters: Benign (1); Likely benign (2). Last evaluated 2025-09-28.

Conditions:
Hereditary cancer-predisposing syndrome. Also called: Tumor predisposition; Neoplastic Syndromes, Hereditary; Hereditary Cancer Syndrome; Hereditary neoplastic syndrome. Identifiers: Orphanet 140162, MedGen C0027672, MeSH D009386, MONDO:0015356.
Tuberous sclerosis 2 (TSC2). Identifiers: Orphanet 805, MedGen C1860707, MONDO:0013199, OMIM 613254.

Allele frequency attached by ClinVar (database versions not stated): gnomAD exomes below 0.00001 and 0.00001; ExAC 0.00001.
gnomAD v4.1: 2 of 1,614,192 alleles (0.00012%); highest among the groups gnomAD compares: Admixed American, 0.0033%; no homozygotes.

Submissions (3):

Labcorp Genetics (formerly Invitae), Labcorp
Classification: Likely benign for Tuberous sclerosis 2. Last evaluated: 2025-09-28. Review status: criteria provided, single submitter. Criteria: Invitae Variant Classification Sherloc (09022015). Collection method: clinical testing. Allele origin: germline.

Myriad Genetics, Inc.
Classification: Benign for Tuberous sclerosis 2. Last evaluated: 2025-05-13. Review status: criteria provided, single submitter. Criteria: Myriad Autosomal Dominant, Autosomal Recessive and X-Linked Classification Criteria (2023). Collection method: clinical testing. Allele origin: unknown.
Comment: This variant is considered benign. This variant is a silent/synonymous amino acid change and it is not expected to impact splicing.

Ambry Genetics
Classification: Likely benign for Hereditary cancer-predisposing syndrome. Last evaluated: 2022-09-25. Review status: criteria provided, single submitter. Criteria: Ambry Variant Classification Scheme 2023. Collection method: clinical testing. Allele origin: germline.